The following is an entry in ClinVar:

ClinVar aggregate classification (germline): Uncertain significance (1 of 4 stars; one submission).

Submission:

Labcorp Genetics (formerly Invitae), Labcorp
Classification: Uncertain significance. Last evaluated: 2022-01-20. Review status: criteria provided, single submitter. Criteria: Invitae Variant Classification Sherloc (09022015). Collection method: clinical testing. Allele origin: germline.
Comment: In summary, the available evidence is currently insufficient to determine the role of this variant in disease. Therefore, it has been classified as a Variant of Uncertain Significance. Algorithms developed to predict the effect of missense changes on protein structure and function (SIFT, PolyPhen-2, Align-GVGD) all suggest that this variant is likely to be disruptive. This variant has not been reported in the literature in individuals affected with PDE10A-related conditions. This variant is not present in population databases (gnomAD no frequency). This sequence change replaces arginine, which is basic and polar, with glycine, which is neutral and non-polar, at codon 627 of the PDE10A protein (p.Arg627Gly).

NM_001385079.1(PDE10A):c.2677C>G (p.Arg893Gly)

Gene: PDE10A (phosphodiesterase 10A; minus strand). Cytogenetic location: 6q27.
Variant type: single nucleotide variant.
Coding change: c.2677C>G on transcript NM_001385079.1 (MANE Select); coding-DNA position 2677, C replaced by G.
Protein change: p.Arg893Gly; replaces arginine 893 with glycine.
Molecular consequence: missense variant.
Genome position (GRCh38, 1-based): chr6:165,379,300, G>C on the plus strand (C>G on the coding strand, the complement: PDE10A is on the minus strand). VCF-style: chr6-165379300-G-C. GRCh37 (hg19) VCF-style: chr6-165792789-G-C.
Other names: c.1879C>G, p.Arg627Gly (NM_001130690.3); c.1849C>G, p.Arg617Gly (NM_006661.4); short protein forms R617G, R893G, R627G.
Identifiers: ClinVar variation 2088358 (VCV002088358.4), dbSNP rs2533605387, ClinGen allele CA366392386.